The following is an entry in ClinVar:

ClinVar aggregate classification (germline): Uncertain significance (1 of 4 stars; one submission).

gnomAD v4.1: 8 of 1,599,882 alleles (0.0005%); highest among the groups gnomAD compares: Non-Finnish European, 0.00068%; no homozygotes.

Submission:

Labcorp Genetics (formerly Invitae), Labcorp
Classification: Uncertain significance. Last evaluated: 2024-12-26. Review status: criteria provided, single submitter. Criteria: Invitae Variant Classification Sherloc (09022015). Collection method: clinical testing. Allele origin: germline.
Comment: This sequence change replaces valine, which is neutral and non-polar, with glycine, which is neutral and non-polar, at codon 30 of the SCARB1 protein (p.Val30Gly). The frequency data for this variant in the population databases is considered unreliable, as metrics indicate poor data quality at this position in the gnomAD database. This variant has not been reported in the literature in individuals affected with SCARB1-related conditions. Invitae Evidence Modeling of protein sequence and biophysical properties (such as structural, functional, and spatial information, amino acid conservation, physicochemical variation, residue mobility, and thermodynamic stability) indicates that this missense variant is not expected to disrupt SCARB1 protein function with a negative predictive value of 80%. In summary, the available evidence is currently insufficient to determine the role of this variant in disease. Therefore, it has been classified as a Variant of Uncertain Significance.

NM_005505.5(SCARB1):c.89T>G (p.Val30Gly)

Genes: SCARB1 (scavenger receptor class B member 1; minus strand), LOC130009157 (ATAC-STARR-seq lymphoblastoid silent region 5067; plus strand). Cytogenetic location: 12q24.31.
Variant type: single nucleotide variant.
Coding change: c.89T>G on transcript NM_005505.5 (MANE Select); coding-DNA position 89, T replaced by G.
Protein change: p.Val30Gly; replaces valine 30 with glycine.
Molecular consequence: missense variant. On other transcripts: non-coding transcript variant (9).
Genome position (GRCh38, 1-based): chr12:124,863,632, A>C on the plus strand (T>G on the coding strand, the complement: SCARB1 is on the minus strand). VCF-style: chr12-124863632-A-C. GRCh37 (hg19) VCF-style: chr12-125348178-A-C.
Other names: c.89T>G, p.Val30Gly (NM_001367985.1, NM_001367986.1, NM_001367987.1 and 6 more transcripts); short protein forms V30G.
Identifiers: ClinVar variation 3611467 (VCV003611467.2).